The following is an entry in ClinVar:

NM_025114.4(CEP290):c.4636C>T (p.Gln1546Ter)

Gene: CEP290 (centrosomal protein 290; minus strand). Cytogenetic location: 12q21.32.
Variant type: single nucleotide variant.
Coding change: c.4636C>T on transcript NM_025114.4 (MANE Select); coding-DNA position 4636, C replaced by T.
Protein change: p.Gln1546Ter; replaces glutamine 1546 with a stop codon.
Molecular consequence: nonsense.
Genome position (GRCh38, 1-based): chr12:88,084,654, G>A on the plus strand (C>T on the coding strand, the complement: CEP290 is on the minus strand). VCF-style: chr12-88084654-G-A. GRCh37 (hg19) VCF-style: chr12-88478431-G-A.
Other names: short protein forms Q1546*.
Identifiers: ClinVar variation 2439017 (VCV002439017.4), dbSNP rs2499986572, ClinGen allele CA385994854.

ClinVar aggregate classification (germline): Pathogenic/Likely pathogenic. Review status: criteria provided, multiple submitters, no conflicts (2 of 4 stars). 2 submissions from 2 submitters: Pathogenic (1); Likely pathogenic (1). Last evaluated 2026-03-21.

Conditions:
CEP290-related ciliopathy. Also called: CEP290 ciliopathy. Identifiers: MedGen CN305601, MONDO:0100451.

Submissions (2):

Myriad Genetics, Inc.
Classification: Pathogenic for CEP290-related ciliopathy. Last evaluated: 2026-03-21. Review status: criteria provided, single submitter. Criteria: Myriad Autosomal Dominant, Autosomal Recessive and X-Linked Classification Criteria (2023). Collection method: clinical testing. Allele origin: unknown.
Comment: NM_025114.3(CEP290):c.4636C>T(Q1546*) is expected to be pathogenic in the context of CEP290-related disorders. This variant is predicted to lead to an abnormal or absent protein product due to the creation of a premature termination codon in CEP290, a gene where loss-of-function variants are known to be pathogenic. Please note: this variant was assessed in the context of healthy population screening.

Revvity Omics, Revvity
Classification: Likely pathogenic. Last evaluated: 2022-01-04. Review status: criteria provided, single submitter. Criteria: ACMG Guidelines, 2015. Collection method: clinical testing. Allele origin: germline.